The following is an entry in ClinVar:

ClinVar aggregate classification (germline): Uncertain significance (1 of 4 stars; one submission).

Submission:

GeneDx
Classification: Uncertain significance. Last evaluated: 2026-03-07. Review status: criteria provided, single submitter. Criteria: GeneDx Variant Classification Process June 2021. Collection method: clinical testing. Allele origin: germline.
Comment: Not observed at significant frequency in large population cohorts (gnomAD); In silico analysis supports that this missense variant has a deleterious effect on protein structure/function; Has not been previously published as pathogenic or benign to our knowledge

NM_014633.5(CTR9):c.2759T>G (p.Phe920Cys)

Gene: CTR9 (CTR9 component of Paf1/RNA polymerase II complex; plus strand). Cytogenetic location: 11p15.4.
Variant type: single nucleotide variant.
Coding change: c.2759T>G on transcript NM_014633.5 (MANE Select); coding-DNA position 2759, T replaced by G.
Protein change: p.Phe920Cys; replaces phenylalanine 920 with cysteine.
Molecular consequence: missense variant.
Genome position (GRCh38, 1-based): chr11:10,774,043, T>G. VCF-style: chr11-10774043-T-G. GRCh37 (hg19) VCF-style: chr11-10795590-T-G.
Other names: c.2687T>G, p.Phe896Cys (NM_001346279.2); short protein forms F896C, F920C.
Identifiers: ClinVar variation 5008548 (VCV005008548.1).